The following is an entry in ClinVar:

ClinVar aggregate classification (germline): Uncertain significance (1 of 4 stars; one submission).

Submission:

Labcorp Genetics (formerly Invitae), Labcorp
Classification: Uncertain significance. Last evaluated: 2021-09-04. Review status: criteria provided, single submitter. Criteria: Invitae Variant Classification Sherloc (09022015). Collection method: clinical testing. Allele origin: germline.
Comment: In summary, the available evidence is currently insufficient to determine the role of this variant in disease. Therefore, it has been classified as a Variant of Uncertain Significance. Algorithms developed to predict the effect of missense changes on protein structure and function output the following: SIFT: "Tolerated"; PolyPhen-2: "Benign"; Align-GVGD: "Class C0". The lysine amino acid residue is found in multiple mammalian species, which suggests that this missense change does not adversely affect protein function. This variant has not been reported in the literature in individuals affected with GPR179-related conditions. This variant is not present in population databases (ExAC no frequency). This sequence change replaces arginine with lysine at codon 1843 of the GPR179 protein (p.Arg1843Lys). The arginine residue is weakly conserved and there is a small physicochemical difference between arginine and lysine.

NM_001004334.4(GPR179):c.5528G>A (p.Arg1843Lys)

Gene: GPR179 (G protein-coupled receptor 179; minus strand). Cytogenetic location: 17q12.
Variant type: single nucleotide variant.
Coding change: c.5528G>A on transcript NM_001004334.4 (MANE Select); coding-DNA position 5528, G replaced by A.
Protein change: p.Arg1843Lys; replaces arginine 1843 with lysine.
Molecular consequence: missense variant.
Genome position (GRCh38, 1-based): chr17:38,328,041, C>T on the plus strand (G>A on the coding strand, the complement: GPR179 is on the minus strand). VCF-style: chr17-38328041-C-T. GRCh37 (hg19) VCF-style: chr17-36483924-C-T.
Other names: short protein forms R1843K.
Identifiers: ClinVar variation 1379574 (VCV001379574.6), dbSNP rs2144256543, ClinGen allele CA398871607.